The following is an entry in ClinVar:

NM_006231.4(POLE):c.5188G>A (p.Asp1730Asn)

Gene: POLE (DNA polymerase epsilon, catalytic subunit; minus strand). Cytogenetic location: 12q24.33.
Variant type: single nucleotide variant.
Coding change: c.5188G>A on transcript NM_006231.4 (MANE Select); coding-DNA position 5188, G replaced by A.
Protein change: p.Asp1730Asn; replaces aspartic acid 1730 with asparagine.
Molecular consequence: missense variant.
Genome position (GRCh38, 1-based): chr12:132,641,837, C>T on the plus strand (G>A on the coding strand, the complement: POLE is on the minus strand). VCF-style: chr12-132641837-C-T. GRCh37 (hg19) VCF-style: chr12-133218423-C-T.
Other names: short protein forms D1730N.
Identifiers: ClinVar variation 3935717 (VCV003935717.1).

ClinVar aggregate classification (germline): Uncertain significance (1 of 4 stars; one submission).

Conditions:
Hereditary cancer-predisposing syndrome. Also called: Tumor predisposition; Hereditary neoplastic syndrome; Hereditary Cancer Syndrome; Neoplastic Syndromes, Hereditary. Identifiers: Orphanet 140162, MedGen C0027672, MeSH D009386, MONDO:0015356.

Submission:

Ambry Genetics
Classification: Uncertain significance for Hereditary cancer-predisposing syndrome. Last evaluated: 2025-04-05. Review status: criteria provided, single submitter. Criteria: Ambry Variant Classification Scheme 2023. Collection method: clinical testing. Allele origin: germline.
Comment: The p.D1730N variant (also known as c.5188G>A), located in coding exon 39 of the POLE gene, results from a G to A substitution at nucleotide position 5188. The aspartic acid at codon 1730 is replaced by asparagine, an amino acid with highly similar properties. This amino acid position is conserved. In addition, this alteration is predicted to be tolerated by in silico analysis. Based on the available evidence, the clinical significance of this variant remains unclear.